The following is an entry in ClinVar:

ClinVar aggregate classification (germline): Pathogenic/Likely pathogenic. Review status: criteria provided, multiple submitters, no conflicts (2 of 4 stars). 6 submissions from 5 submitters: Pathogenic (3); Likely pathogenic (1). 2 of the submissions do not count toward it. Last evaluated 2025-09-04.

Conditions:
Parkinson disease 24, autosomal dominant, susceptibility to. Identifiers: MedGen C5561969, MONDO:0859183, OMIM 619491.
Sphingolipid activator protein 1 deficiency. Also called: Metachromatic leukodystrophy due to saposin B deficiency; Saposin B Deficiency; METACHROMATIC LEUKODYSTROPHY DUE TO CEREBROSIDE SULFATASE ACTIVATOR DEFICIENCY. Identifiers: Orphanet 512, MedGen C0268262, MONDO:0009590, OMIM 249900.
Gaucher disease due to saposin C deficiency. Also called: Atypical Gaucher disease due to saposin C deficiency; Saposin C Deficiency. Identifiers: Orphanet 309252, Orphanet 355, MedGen C1864651, MONDO:0012517, OMIM 610539.
Combined PSAP deficiency (PSAPD). Also called: COMBINED SAP DEFICIENCY; Encephalopathy due to prosaposin deficiency; PROSAPOSIN DEFICIENCY. Identifiers: Orphanet 139406, MedGen C2673635, MONDO:0012719, OMIM 611721.
Metachromatic leukodystrophy (MLD). Also called: ARSA DEFICIENCY; CEREBROSIDE SULFATASE DEFICIENCY; SULFATIDE LIPIDOSIS; Arylsulfatase A Deficiency; Cerebral sclerosis diffuse metachromatic form; METACHROMATIC LEUKOENCEPHALOPATHY. Identifiers: Orphanet 512, MedGen C0023522, MONDO:0018868, OMIM 250100.

Submissions (6):

Natera, Inc.
Classification: Pathogenic for Metachromatic leukodystrophy. Last evaluated: 2025-09-04. Review status: criteria provided, single submitter. Criteria: Natera Variant Classification Schema (03/2026). Collection method: clinical testing. Allele origin: germline.
Comment: The c.1A>T variant in PSAP is predicted to result in start loss due to disruption of the initiator methionine. This variant is expected to result in nonsense mediated decay, truncation, or a dysfunctional protein product. This variant is rare in the general population with a frequency below the threshold expected for the associated phenotype(s). This variant has been observed in one or more individuals affected with the associated recessive disease, as either homozygous or compound heterozygous with a second variant (PMID: 15944902). Given the available evidence, this variant is classified as Pathogenic.

Clinical Genetics Laboratory, University Hospital Schleswig-Holstein
Classification: Likely pathogenic for Parkinson disease 24, autosomal dominant, susceptibility to. Last evaluated: 2025-04-28. Review status: criteria provided, single submitter. Criteria: ACMG Guidelines, 2015. Collection method: clinical testing. Allele origin: germline. Affected: yes. Observed: 1 heterozygote.
Comment: ACMG criteria applied: PM2, PS4_Moderate, PVS1_Moderate, PP4

Labcorp Genetics (formerly Invitae), Labcorp
Classification: Pathogenic for Sphingolipid activator protein 1 deficiency. Last evaluated: 2023-09-21. Review status: criteria provided, single submitter. Criteria: Invitae Variant Classification Sherloc (09022015). Collection method: clinical testing. Allele origin: germline.
Comment: This sequence change affects the initiator methionine of the PSAP mRNA. The next in-frame methionine is located at codon 76. This variant is present in population databases (rs121918106, gnomAD 0.004%). For these reasons, this variant has been classified as Pathogenic. Studies have shown that disruption of the initiator codon alters PSAP gene expression (PMID: 20484222). ClinVar contains an entry for this variant (Variation ID: 13365). This variant is also known as M1L. Disruption of the initiator codon has been observed in individuals with PSAP-related conditions (PMID: 1371116, 17616409, 20484222).

Molecular Genetics, Royal Melbourne Hospital
Classification: Pathogenic for Gaucher disease due to saposin C deficiency. Last evaluated: 2022-04-01. Review status: criteria provided, single submitter. Criteria: ACMG Guidelines, 2015. Collection method: clinical testing. Allele origin: germline. Affected: no.
Comment: This sequence change in PSAP may cause a truncated or absent protein by altering the start codon of the coding sequence and is predicted to lead to the omission of a critical region of the protein (PMID: 17616409, 17919309; ClinVar: SCV001231459.2, SCV001590882.1). The highest population minor allele frequency in gnomAD v2.1 is 0.004% (3/74,284 alleles) in the European (non-Finnish) population. This variant has been detected in at least five individuals with PSAP-related disorders with prosaposin deficiency from three unrelated families. Of those individuals, three individuals were homozygous and two siblings were compound heterozygous for the variant and a variant of uncertain significance, confirmed in trans (PMID: 1371116, 15944902, 17919309). Patients with this variant have displayed saposin C deficiency or combined saposin deficiency in fibroblasts/cell extracts (PMID: 1371116, 20484222). Based on the classification scheme RMH Modified ACMG Guidelines v1.5.1, this variant is classified as PATHOGENIC. Following criteria are met: PVS1_Strong, PM3, PP1_Moderate, PM2_Supporting, PP4.

OMIM
Classification: Pathogenic for COMBINED SAPOSIN DEFICIENCY. Last evaluated: 2007-12-01. Review status: no assertion criteria provided. Collection method: literature only. Allele origin: germline. Not counted in ClinVar's aggregate classification.

OMIM
Classification: Pathogenic for GAUCHER DISEASE, ATYPICAL, DUE TO SAPOSIN C DEFICIENCY. Last evaluated: 2007-12-01. Review status: no assertion criteria provided. Collection method: literature only. Allele origin: germline. Not counted in ClinVar's aggregate classification.

Literature cited by the submitters: PubMed 15944902 (cited by Natera, Inc. and Molecular Genetics, Royal Melbourne Hospital); PubMed 20484222 (cited by Labcorp Genetics (formerly Invitae), Labcorp and Molecular Genetics, Royal Melbourne Hospital); PubMed 1371116 (cited by Labcorp Genetics (formerly Invitae), Labcorp and Molecular Genetics, Royal Melbourne Hospital); PubMed 17616409 (cited by Labcorp Genetics (formerly Invitae), Labcorp and Molecular Genetics, Royal Melbourne Hospital); PubMed 17919309 (cited by Molecular Genetics, Royal Melbourne Hospital); Harzer, K., Paton, B. C., Poulos, A., Kustermann-Kuhn, B., Roggendorf, W., Grisar, T., Popp, M. Sphingolipid activator protein deficiency in a 16-week-old atypical Gaucher disease patient and his fetal sibling: biochemical signs of combined sphingolipidoses. Europ. J. Pediat. 149: 31-39, 1989. (cited by OMIM); Schnabel, D., Schroder, M., Furst, W., Klein, A., Hurwitz, R., Zenk, T., Weber, J., Harzer, K., Paton, B. C., Poulos, A., Suzuki, K., Sandhoff, K. Simultaneous deficiency of sphingolipid activator proteins 1 and 2 is caused by a mutation in the initiation codon of their common gene. J. Biol. Chem. 267: 3312-3315, 1992. (cited by OMIM); Bradova, V., Smid, F., Ulrich-Bott, B., Roggendorf, W., Paton, B. C., Harzer, K. Prosaposin deficiency: further characterization of the sphingolipid activator protein-deficient sibs. Multiple glycolipid elevations (including lactosylceramidosis), partial enzyme deficiencies and ultrastructure of the skin in this generalized sphingolipid storage disease. Hum. Genet. 92: 143-152, 1993. (cited by OMIM); Tylki-Szymanska, A., Czartoryska, B., Vanier, M.-T., Poorthuis, B. J. M. H., Groener, J. A. E., Lugowska, A., Millat, G., Vaccaro, A. M., Jurkiewicz, E. Non-neuronopathic Gaucher disease due to saposin C deficiency. Clin. Genet. 72: 538-542, 2007. (cited by OMIM).

NM_002778.4(PSAP):c.1A>T (p.Met1Leu)

Gene: PSAP (prosaposin; minus strand). Cytogenetic location: 10q22.1.
Variant type: single nucleotide variant.
Coding change: c.1A>T on transcript NM_002778.4 (MANE Select); coding-DNA position 1, A replaced by T.
Protein change: p.Met1Leu; changes the start codon (methionine 1).
Molecular consequence: missense variant, initiator codon variant.
Genome position (GRCh38, 1-based): chr10:71,851,221, T>A on the plus strand (A>T on the coding strand, the complement: PSAP is on the minus strand). VCF-style: chr10-71851221-T-A. GRCh37 (hg19) VCF-style: chr10-73610978-T-A.
Other names: c.1A>T (NM_002778.3); c.1A>T, p.Met1Leu (NM_001042465.3, NM_001042466.3); short protein forms M1L.
Identifiers: ClinVar variation 13365 (VCV000013365.13), dbSNP rs121918106, ClinGen allele CA123061.